The following is an entry in ClinVar:

NM_006734.4(HIVEP2):c.390G>C (p.Leu130Phe)

Gene: HIVEP2 (HIVEP zinc finger 2; minus strand). Cytogenetic location: 6q24.2.
Variant type: single nucleotide variant.
Coding change: c.390G>C on transcript NM_006734.4 (MANE Select); coding-DNA position 390, G replaced by C.
Protein change: p.Leu130Phe; replaces leucine 130 with phenylalanine.
Molecular consequence: missense variant.
Genome position (GRCh38, 1-based): chr6:142,774,349, C>G on the plus strand (G>C on the coding strand, the complement: HIVEP2 is on the minus strand). VCF-style: chr6-142774349-C-G. GRCh37 (hg19) VCF-style: chr6-143095486-C-G.
Other names: short protein forms L130F.
Identifiers: ClinVar variation 2835206 (VCV002835206.3), dbSNP rs2482856875, ClinGen allele CA365916169.

ClinVar aggregate classification (germline): Uncertain significance (1 of 4 stars; one submission).

gnomAD v4.1: 1 of 1,614,180 alleles (0.000062%); no homozygotes.

Submission:

Labcorp Genetics (formerly Invitae), Labcorp
Classification: Uncertain significance. Last evaluated: 2023-02-07. Review status: criteria provided, single submitter. Criteria: Invitae Variant Classification Sherloc (09022015). Collection method: clinical testing. Allele origin: germline.
Comment: In summary, the available evidence is currently insufficient to determine the role of this variant in disease. Therefore, it has been classified as a Variant of Uncertain Significance. Advanced modeling of protein sequence and biophysical properties (such as structural, functional, and spatial information, amino acid conservation, physicochemical variation, residue mobility, and thermodynamic stability) performed at Invitae indicates that this missense variant is expected to disrupt HIVEP2 protein function. This variant has not been reported in the literature in individuals affected with HIVEP2-related conditions. This variant is not present in population databases (gnomAD no frequency). This sequence change replaces leucine, which is neutral and non-polar, with phenylalanine, which is neutral and non-polar, at codon 130 of the HIVEP2 protein (p.Leu130Phe).